The following is an entry in ClinVar:

ClinVar aggregate classification (germline): Uncertain significance. Review status: criteria provided, multiple submitters, no conflicts (2 of 4 stars). 2 submissions from 2 submitters: Uncertain significance (2). Last evaluated 2025-06-30.

Conditions:
Ataxia-telangiectasia syndrome (AT). Also called: Cerebello-oculocutaneous telangiectasia; Immunodeficiency with ataxia telangiectasia; Ataxia-telangiectasia, complementation group E; Ataxia telangiectasia (A-T); LOUIS-BAR SYNDROME; ATAXIA-TELANGIECTASIA, COMPLEMENTATION GROUP A. Identifiers: Orphanet 100, MedGen C0004135, MONDO:0008840, OMIM 208900.
Hereditary cancer-predisposing syndrome. Also called: Hereditary Cancer Syndrome; Hereditary neoplastic syndrome; Tumor predisposition; Neoplastic Syndromes, Hereditary. Identifiers: Orphanet 140162, MedGen C0027672, MeSH D009386, MONDO:0015356.

Submissions (2):

Labcorp Genetics (formerly Invitae), Labcorp
Classification: Uncertain significance for Ataxia-telangiectasia syndrome. Last evaluated: 2025-06-30. Review status: criteria provided, single submitter. Criteria: Invitae Variant Classification Sherloc (09022015). Collection method: clinical testing. Allele origin: germline.
Comment: This sequence change replaces leucine, which is neutral and non-polar, with tryptophan, which is neutral and slightly polar, at codon 1675 of the ATM protein (p.Leu1675Trp). This variant is not present in population databases (gnomAD no frequency). This variant has not been reported in the literature in individuals affected with ATM-related conditions. ClinVar contains an entry for this variant (Variation ID: 2774678). Invitae Evidence Modeling of protein sequence and biophysical properties (such as structural, functional, and spatial information, amino acid conservation, physicochemical variation, residue mobility, and thermodynamic stability) indicates that this missense variant is expected to disrupt ATM protein function with a positive predictive value of 80%. In summary, the available evidence is currently insufficient to determine the role of this variant in disease. Therefore, it has been classified as a Variant of Uncertain Significance.

Color Diagnostics, LLC DBA Color Health
Classification: Uncertain significance for Hereditary cancer-predisposing syndrome. Last evaluated: 2024-03-06. Review status: criteria provided, single submitter. Criteria: ACMG Guidelines, 2015. Collection method: clinical testing. Allele origin: germline.
Comment: This missense variant replaces leucine with tryptophan at codon 1675 of the ATM protein. Computational prediction suggests that this variant may have deleterious impact on protein structure and function (internally defined REVEL score threshold >= 0.7, PMID: 27666373). To our knowledge, functional studies have not been reported for this variant. This variant has not been reported in individuals affected with hereditary cancer in the literature. This variant has not been identified in the general population by the Genome Aggregation Database (gnomAD). The available evidence is insufficient to determine the role of this variant in disease conclusively. Therefore, this variant is classified as a Variant of Uncertain Significance.

NM_000051.4(ATM):c.5024T>G (p.Leu1675Trp)

Gene: ATM (ATM serine/threonine kinase; plus strand). Cytogenetic location: 11q22.3.
Variant type: single nucleotide variant.
Coding change: c.5024T>G on transcript NM_000051.4 (MANE Select); coding-DNA position 5024, T replaced by G.
Protein change: p.Leu1675Trp; replaces leucine 1675 with tryptophan.
Molecular consequence: missense variant.
Genome position (GRCh38, 1-based): chr11:108,299,732, T>G. VCF-style: chr11-108299732-T-G. GRCh37 (hg19) VCF-style: chr11-108170459-T-G.
Other names: c.5024T>G, p.Leu1675Trp (NM_001351834.2); short protein forms L1675W.
Identifiers: ClinVar variation 2774678 (VCV002774678.3), dbSNP rs2546964010, ClinGen allele CA382540204.